The following is an entry in ClinVar:

ClinVar aggregate classification (germline): Uncertain significance (1 of 4 stars; one submission).

Conditions:
Familial adenomatous polyposis 1 (FAP1). Also called: FAMILIAL ADENOMATOUS POLYPOSIS 1, ATTENUATED; POLYPOSIS, ADENOMATOUS INTESTINAL. Identifiers: MedGen C2713442, MONDO:0021056, OMIM 175100. Disease mechanism: loss of function.

gnomAD v4.1: 1 of 1,370,354 alleles (0.000073%); highest among the groups gnomAD compares: South Asian, 0.0012%; no homozygotes.

Submission:

Labcorp Genetics (formerly Invitae), Labcorp
Classification: Uncertain significance for Familial adenomatous polyposis 1. Last evaluated: 2020-08-21. Review status: criteria provided, single submitter. Criteria: Invitae Variant Classification Sherloc (09022015). Collection method: clinical testing. Allele origin: germline.
Comment: In summary, the available evidence is currently insufficient to determine the role of this variant in disease. Therefore, it has been classified as a Variant of Uncertain Significance. Experimental studies and prediction algorithms are not available or were not evaluated, and the functional significance of this variant is currently unknown. This variant occurs in a non-coding region of the APC gene. It does not change the encoded amino acid sequence of the APC protein. The frequency data for this variant in the population databases is considered unreliable, as metrics indicate insufficient coverage at this position in the ExAC database. This variant has not been reported in the literature in individuals with APC-related conditions.

NM_001127511.3(APC):c.133C>A (p.Arg45Ser)

Gene: APC (APC regulator of Wnt signaling pathway; plus strand). Cytogenetic location: 5q22.2.
Variant type: single nucleotide variant.
Coding change: c.133C>A on transcript NM_001127511.3; coding-DNA position 133, C replaced by A.
Protein change: p.Arg45Ser; replaces arginine 45 with serine.
Molecular consequence: missense variant. On other transcripts: 5 prime UTR variant (8), non-coding transcript variant (1), intron variant (5).
Genome position (GRCh38, 1-based): chr5:112,707,850, C>A. VCF-style: chr5-112707850-C-A. GRCh37 (hg19) VCF-style: chr5-112043547-C-A.
Other names: c.-51C>A (NM_001407460.1, NM_001407469.1, NM_001354895.2 and 3 more transcripts); c.-1086C>A (NM_001407470.1, NM_001407472.1); c.-19+201C>A (NM_001407448.1, NM_001407450.1, NM_001407457.1 and 1 more transcripts); c.-43+201C>A (NM_001407453.1); c.133C>A, p.Arg45Ser (NM_001354897.2, NM_001354902.2, NM_001407446.1); short protein forms R45S.
Identifiers: ClinVar variation 1055897 (VCV001055897.7), dbSNP rs755954869, ClinGen allele CA360612086.